The following is an entry in ClinVar:

ClinVar aggregate classification (germline): Uncertain significance. Review status: criteria provided, multiple submitters, no conflicts (2 of 4 stars). 2 submissions from 2 submitters: Uncertain significance (2). Last evaluated 2023-02-27.

Allele frequency attached by ClinVar (database versions not stated): TOPMed 0.00006; gnomAD 0.00009; ExAC 0.00010; gnomAD exomes 0.00014 and 0.00015; 1000 Genomes Project 30x 0.00016; 1000 Genomes Project 0.00020.
gnomAD v4.1: 227 of 1,609,126 alleles (0.014%); highest among the groups gnomAD compares: Middle Eastern, 0.017%; no homozygotes.

Submissions (2):

Mayo Clinic Laboratories, Mayo Clinic
Classification: Uncertain significance. Last evaluated: 2023-02-27. Review status: criteria provided, single submitter. Criteria: ACMG Guidelines, 2015. Collection method: clinical testing. Allele origin: germline. Observed: 1 variant allele.

Labcorp Genetics (formerly Invitae), Labcorp
Classification: Uncertain significance. Last evaluated: 2022-03-28. Review status: criteria provided, single submitter. Criteria: Invitae Variant Classification Sherloc (09022015). Collection method: clinical testing. Allele origin: germline.
Comment: This variant is present in population databases (rs200974467, gnomAD 0.08%). This sequence change replaces arginine, which is basic and polar, with cysteine, which is neutral and slightly polar, at codon 1156 of the VPS13C protein (p.Arg1156Cys). This missense change has been observed in individual(s) with early-onset Parkinson disease (PMID: 32171587). In summary, the available evidence is currently insufficient to determine the role of this variant in disease. Therefore, it has been classified as a Variant of Uncertain Significance. Algorithms developed to predict the effect of missense changes on protein structure and function are either unavailable or do not agree on the potential impact of this missense change (SIFT: "Deleterious"; PolyPhen-2: "Possibly Damaging"; Align-GVGD: "Class C0").

Literature cited by the submitters: PubMed 32171587 (cited by Mayo Clinic Laboratories, Mayo Clinic and Labcorp Genetics (formerly Invitae), Labcorp).

NM_020821.3(VPS13C):c.3466C>T (p.Arg1156Cys)

Gene: VPS13C (vacuolar protein sorting 13 homolog C; minus strand). Cytogenetic location: 15q22.2.
Variant type: single nucleotide variant.
Coding change: c.3466C>T on transcript NM_020821.3 (MANE Select); coding-DNA position 3466, C replaced by T.
Protein change: p.Arg1156Cys; replaces arginine 1156 with cysteine.
Molecular consequence: missense variant.
Genome position (GRCh38, 1-based): chr15:61,962,508, G>A on the plus strand (C>T on the coding strand, the complement: VPS13C is on the minus strand). VCF-style: chr15-61962508-G-A. GRCh37 (hg19) VCF-style: chr15-62254707-G-A.
Other names: p.Arg1156Cys; c.3466C>T, p.Arg1156Cys (NM_001018088.3); c.3337C>T, p.Arg1113Cys (NM_017684.5, NM_018080.4); short protein forms R1156C, R1113C.
Identifiers: ClinVar variation 1466450 (VCV001466450.7), dbSNP rs200974467, ClinGen allele CA7596364.